The following is an entry in ClinVar:

NM_021072.4(HCN1):c.798dup (p.Arg267fs)

Gene: HCN1 (hyperpolarization activated cyclic nucleotide gated potassium channel 1; minus strand). Cytogenetic location: 5p12.
Variant type: Duplication.
Coding change: c.798dup on transcript NM_021072.4 (MANE Select); coding-DNA position 798, one base duplicated (G; older notation c.798dupG).
Protein change: p.Arg267fs; shifts the reading frame from arginine 267.
Molecular consequence: frameshift variant.
Genome position (GRCh38, 1-based): chr5:45,645,236, C duplicated on the plus strand (G on the coding strand, the reverse complement: HCN1 is on the minus strand). VCF-style (leftmost placement, unchanged base first): chr5-45645235-G-GC. GRCh37 (hg19) VCF-style: chr5-45645337-G-GC.
Other names: short protein forms R267fs.
Identifiers: ClinVar variation 4536596 (VCV004536596.2).

ClinVar aggregate classification (germline): Uncertain significance (1 of 4 stars; one submission).

Submission:

GeneDx
Classification: Uncertain significance. Last evaluated: 2026-02-01. Review status: criteria provided, single submitter. Criteria: GeneDx Variant Classification Process June 2021. Collection method: clinical testing. Allele origin: germline.
Comment: Frameshift variant predicted to result in protein truncation or nonsense mediated decay in a gene or region of a gene for which loss of function is not a well-established mechanism of disease; Not observed at significant frequency in large population cohorts (gnomAD); Has not been previously published as pathogenic or benign to our knowledge